The following is an entry in ClinVar:

ClinVar aggregate classification (germline): Pathogenic. Review status: reviewed by expert panel (3 of 4 stars). 4 submissions from 4 submitters: Pathogenic (1). 3 of the submissions do not count toward it. Last evaluated 2016-10-18.

Conditions:
Hereditary breast ovarian cancer syndrome. Also called: Hereditary breast and ovarian cancer syndrome; Hereditary breast and ovarian cancer; Hereditary breast and ovarian cancer syndrome (HBOC); Breast and ovarian cancer; Hereditary breast and/or ovarian cancer syndrome; BRCA1- and BRCA2-Associated Hereditary Breast and Ovarian Cancer. Identifiers: Orphanet 145, MedGen C0677776, MeSH D061325, MONDO:0003582. Disease mechanism: loss of function.
Breast-ovarian cancer, familial, susceptibility to, 2 (BROVCA2). Also called: BRCA2 Hereditary Breast and Ovarian Cancer. Identifiers: Orphanet 145, MedGen C2675520, MONDO:0012933, OMIM 612555. Disease mechanism: loss of function.

Submissions (4):

Evidence-based Network for the Interpretation of Germline Mutant Alleles (ENIGMA)
Classification: Pathogenic for Breast-ovarian cancer, familial, susceptibility to, 2. Last evaluated: 2016-10-18. Review status: reviewed by expert panel. Criteria: ENIGMA BRCA1/2 Classification Criteria (2015). Collection method: curation. Allele origin: germline.
Comment: Variant allele predicted to encode a truncated non-functional protein.

Labcorp Genetics (formerly Invitae), Labcorp
Classification: Pathogenic for Hereditary breast ovarian cancer syndrome. Last evaluated: 2023-09-10. Review status: criteria provided, single submitter. Criteria: Invitae Variant Classification Sherloc (09022015). Collection method: clinical testing. Allele origin: germline. Not counted in ClinVar's aggregate classification.
Comment: ClinVar contains an entry for this variant (Variation ID: 51183). This premature translational stop signal has been observed in individual(s) with BRCA2-related conditions (PMID: 11920643). This variant is not present in population databases (gnomAD no frequency). This sequence change creates a premature translational stop signal (p.Leu583*) in the BRCA2 gene. It is expected to result in an absent or disrupted protein product. Loss-of-function variants in BRCA2 are known to be pathogenic (PMID: 20104584). For these reasons, this variant has been classified as Pathogenic.

GeneDx
Classification: Pathogenic. Last evaluated: 2016-04-01. Review status: criteria provided, single submitter. Criteria: GeneDx Variant Classification (06012015). Collection method: clinical testing. Allele origin: germline. Affected: yes. Not counted in ClinVar's aggregate classification.
Comment: This variant is denoted BRCA2 c.1748delT at the cDNA level and p.Leu583Ter (L583X) at the protein level. The normal sequence, with the base that is deleted in braces, is ACTT[T]GAAA. The deletion creates a nonsense variant, which changes a Leucine to a premature stop codon, and is predicted to cause loss of normal protein function through either protein truncation or nonsense-mediated mRNA decay. This variant. also published as 1974delT using alternate nomenclature, has been reported in at least one family with breast and/or ovarian cancer (Montagna 2002) and is considered pathogenic.

Consortium of Investigators of Modifiers of BRCA1/2 (CIMBA), c/o University of Cambridge
Classification: Pathogenic for Breast-ovarian cancer, familial, susceptibility to, 2. Last evaluated: 2015-10-02. Review status: criteria provided, single submitter. Criteria: CIMBA Mutation Classification guidelines May 2016. Collection method: clinical testing. Allele origin: germline. Not counted in ClinVar's aggregate classification.

Literature cited by the submitters: PubMed 11920643 (cited by Labcorp Genetics (formerly Invitae), Labcorp); PubMed 20104584 (cited by Labcorp Genetics (formerly Invitae), Labcorp).

NM_000059.4(BRCA2):c.1748del (p.Thr582_Leu583insTer)

Gene: BRCA2 (BRCA2 DNA repair associated; plus strand). Cytogenetic location: 13q13.1.
Variant type: Deletion.
Coding change: c.1748del on transcript NM_000059.4 (MANE Select); coding-DNA position 1748, one base deleted (T; older notation c.1748delT).
Protein change: p.Thr582_Leu583insTer.
Molecular consequence: nonsense.
Genome position (GRCh38, 1-based): chr13:32,333,226, T deleted; the last of 3 consecutive T bases (chr13:32,333,224-32,333,226); deleting any one gives the same sequence. VCF-style (leftmost placement, unchanged base first): chr13-32333223-CT-C. GRCh37 (hg19) VCF-style: chr13-32907360-CT-C.
Other names: 1976delT-ter583; c.1748delT (NM_000059.3).
Identifiers: ClinVar variation 51183 (VCV000051183.11), dbSNP rs397507605, ClinGen allele CA013054.